The following is an entry in ClinVar:

NM_004204.5(PIGQ):c.121A>T (p.Ile41Phe)

Gene: PIGQ (phosphatidylinositol glycan anchor biosynthesis class Q; plus strand). Cytogenetic location: 16p13.3.
Variant type: single nucleotide variant.
Coding change: c.121A>T on transcript NM_004204.5 (MANE Select); coding-DNA position 121, A replaced by T.
Protein change: p.Ile41Phe; replaces isoleucine 41 with phenylalanine.
Molecular consequence: missense variant.
Genome position (GRCh38, 1-based): chr16:574,195, A>T. VCF-style: chr16-574195-A-T. GRCh37 (hg19) VCF-style: chr16-624195-A-T.
Other names: c.121A>T, p.Ile41Phe (NM_148920.4); short protein forms I41F.
Identifiers: ClinVar variation 1511746 (VCV001511746.5), dbSNP rs2151044199, ClinGen allele CA394045850.

ClinVar aggregate classification (germline): Uncertain significance (1 of 4 stars; one submission).

Conditions:
Epilepsy. Also called: Seizure disorder. Identifiers: MedGen C0014544, MeSH D004827, MONDO:0005027.

Submission:

Labcorp Genetics (formerly Invitae), Labcorp
Classification: Uncertain significance for Epilepsy. Last evaluated: 2021-09-01. Review status: criteria provided, single submitter. Criteria: Invitae Variant Classification Sherloc (09022015). Collection method: clinical testing. Allele origin: germline.
Comment: This sequence change replaces isoleucine with phenylalanine at codon 41 of the PIGQ protein (p.Ile41Phe). The isoleucine residue is moderately conserved and there is a small physicochemical difference between isoleucine and phenylalanine. This variant is not present in population databases (ExAC no frequency). This variant has not been reported in the literature in individuals affected with PIGQ-related conditions. Algorithms developed to predict the effect of missense changes on protein structure and function are either unavailable or do not agree on the potential impact of this missense change (SIFT: "Deleterious"; PolyPhen-2: "Probably Damaging"; Align-GVGD: "Class C0"). In summary, the available evidence is currently insufficient to determine the role of this variant in disease. Therefore, it has been classified as a Variant of Uncertain Significance.